The following is an entry in ClinVar:

ClinVar aggregate classification (germline): Benign. Review status: criteria provided, multiple submitters, no conflicts (2 of 4 stars). 3 submissions from 3 submitters: Benign (2). 1 of the submissions does not count toward it. Last evaluated 2019-12-31.

Conditions:
DNAH2-related disorder. Also called: DNAH2-related condition.

Allele frequency attached by ClinVar (database versions not stated): gnomAD exomes 0.00309 and 0.00756; ExAC 0.00864; gnomAD 0.02590 and 0.02773; 1000 Genomes Project 0.02855; 1000 Genomes Project 30x 0.02858; ESP Exome Variant Server 0.02899; TOPMed 0.02924.

Submissions (3):

Labcorp Genetics (formerly Invitae), Labcorp
Classification: Benign. Last evaluated: 2019-12-31. Review status: criteria provided, single submitter. Criteria: Invitae Variant Classification Sherloc (09022015). Collection method: clinical testing. Allele origin: germline.

Breakthrough Genomics
Classification: Benign. Review status: criteria provided, single submitter. Criteria: ACMG Guidelines, 2015. Collection method: not provided. Allele origin: germline. Inheritance: Autosomal recessive inheritance. Affected: yes.

PreventionGenetics, part of Exact Sciences
Classification: Benign for DNAH2-related condition. Last evaluated: 2019-05-31. Review status: no assertion criteria provided. Collection method: clinical testing. Allele origin: germline. Not counted in ClinVar's aggregate classification.
Comment: This variant is classified as benign based on ACMG/AMP sequence variant interpretation guidelines (Richards et al. 2015 PMID: 25741868, with internal and published modifications).

NM_020877.5(DNAH2):c.2882T>C (p.Met961Thr)

Gene: DNAH2 (dynein axonemal heavy chain 2; plus strand). Cytogenetic location: 17p13.1.
Variant type: single nucleotide variant.
Coding change: c.2882T>C on transcript NM_020877.5 (MANE Select); coding-DNA position 2882, T replaced by C.
Protein change: p.Met961Thr; replaces methionine 961 with threonine.
Molecular consequence: missense variant.
Genome position (GRCh38, 1-based): chr17:7,760,836, T>C. VCF-style: chr17-7760836-T-C. GRCh37 (hg19) VCF-style: chr17-7664154-T-C.
Other names: short protein forms M961T.
Identifiers: ClinVar variation 777120 (VCV000777120.7), dbSNP rs73232333, ClinGen allele CA8356599.